The following is an entry in ClinVar:

NM_001127222.2(CACNA1A):c.5068-1G>A

Gene: CACNA1A (calcium voltage-gated channel subunit alpha1 A; minus strand). Cytogenetic location: 19p13.13.
Variant type: single nucleotide variant.
Coding change: c.5068-1G>A on transcript NM_001127222.2 (MANE Select); the canonical splice acceptor site of the intron before coding-DNA position 5068, G replaced by A.
Molecular consequence: splice acceptor variant.
Genome position (GRCh38, 1-based): chr19:13,235,275, C>T on the plus strand (G>A on the coding strand, the complement: CACNA1A is on the minus strand). VCF-style: chr19-13235275-C-T. GRCh37 (hg19) VCF-style: chr19-13346089-C-T.
Other names: c.5071-1G>A (NM_001127221.2); c.5077-1G>A (NM_001174080.2); c.5086-1G>A (NM_000068.4, NM_023035.3).
Identifiers: ClinVar variation 1519763 (VCV001519763.8), dbSNP rs2144648058, ClinGen allele CA404335948.

ClinVar aggregate classification (germline): Likely pathogenic (1 of 4 stars; one submission).

Conditions:
Developmental and epileptic encephalopathy, 42 (DEE42A). Also called: Epileptic encephalopathy, early infantile, 42; DEVELOPMENTAL AND EPILEPTIC ENCEPHALOPATHY 42A; EPILEPTIC ENCEPHALOPATHY, EARLY INFANTILE, 42A. Identifiers: MedGen C4310716, MONDO:0014917, OMIM 617106.
Episodic ataxia type 2 (EA2). Also called: ATAXIA, EPISODIC, WITH NYSTAGMUS; ATAXIA, FAMILIAL PAROXYSMAL; CEREBELLAR ATAXIA, PAROXYSMAL, ACETAZOLAMIDE-RESPONSIVE; CEREBELLOPATHY, HEREDITARY PAROXYSMAL; EPISODIC ATAXIA, NYSTAGMUS-ASSOCIATED; ACETAZOLAMIDE-RESPONSIVE HEREDITARY PAROXYSMAL CEREBELLAR ATAXIA. Identifiers: Orphanet 97, MedGen C1720416, MONDO:0007163, OMIM 108500.

Submission:

Labcorp Genetics (formerly Invitae), Labcorp
Classification: Likely pathogenic for Developmental and epileptic encephalopathy, 42; Episodic ataxia type 2. Last evaluated: 2025-04-22. Review status: criteria provided, single submitter. Criteria: Invitae Variant Classification Sherloc (09022015). Collection method: clinical testing. Allele origin: germline.
Comment: This sequence change affects an acceptor splice site in intron 32 of the CACNA1A gene. It is expected to disrupt RNA splicing. Variants that disrupt the donor or acceptor splice site typically lead to a loss of protein function (PMID: 16199547), and loss-of-function variants in CACNA1A are known to be pathogenic (PMID: 10371528, 19486177, 25735478, 27250579). This variant is not present in population databases (gnomAD no frequency). This variant has not been reported in the literature in individuals affected with CACNA1A-related conditions. ClinVar contains an entry for this variant (Variation ID: 1519763). Algorithms developed to predict the effect of sequence changes on RNA splicing suggest that this variant may disrupt the consensus splice site. In summary, the currently available evidence indicates that the variant is pathogenic, but additional data are needed to prove that conclusively. Therefore, this variant has been classified as Likely Pathogenic.

Literature cited by the submitters: PubMed 16199547; PubMed 10371528; PubMed 19486177; PubMed 25735478; PubMed 27250579.